The following is an entry in ClinVar:

ClinVar aggregate classification (germline): Uncertain significance (1 of 4 stars; one submission).

Conditions:
Hereditary cancer-predisposing syndrome. Also called: Hereditary neoplastic syndrome; Neoplastic Syndromes, Hereditary; Tumor predisposition; Hereditary Cancer Syndrome. Identifiers: Orphanet 140162, MedGen C0027672, MeSH D009386, MONDO:0015356.

Submission:

Ambry Genetics
Classification: Uncertain significance for Hereditary cancer-predisposing syndrome. Last evaluated: 2025-08-27. Review status: criteria provided, single submitter. Criteria: Ambry Variant Classification Scheme 2023. Collection method: clinical testing. Allele origin: germline.
Comment: The p.Y84F variant (also known as c.251A>T), located in coding exon 3 of the MUTYH gene, results from an A to T substitution at nucleotide position 251. The tyrosine at codon 84 is replaced by phenylalanine, an amino acid with highly similar properties. This amino acid position is conserved. In addition, the in silico prediction for this alteration is inconclusive. Based on the available evidence, the clinical significance of this variant remains unclear.

NM_001048174.2(MUTYH):c.167A>T (p.Tyr56Phe)

Gene: MUTYH (mutY DNA glycosylase; minus strand). Cytogenetic location: 1p34.1.
Variant type: single nucleotide variant.
Coding change: c.167A>T on transcript NM_001048174.2 (MANE Select); coding-DNA position 167, A replaced by T.
Protein change: p.Tyr56Phe; replaces tyrosine 56 with phenylalanine.
Molecular consequence: missense variant. On other transcripts: 5 prime UTR variant (1), non-coding transcript variant (5), intron variant (5).
Genome position (GRCh38, 1-based): chr1:45,333,510, T>A on the plus strand (A>T on the coding strand, the complement: MUTYH is on the minus strand). VCF-style: chr1-45333510-T-A. GRCh37 (hg19) VCF-style: chr1-45799182-T-A.
Other names: c.167A>T, p.Tyr56Phe (NM_001048171.2, NM_001048173.2, NM_001293195.2 and 6 more transcripts); c.170A>T, p.Tyr57Phe (NM_001048172.2, NM_001407071.1, NM_001407078.1 and 2 more transcripts); c.251A>T, p.Tyr84Phe (NM_001128425.2); c.212A>T, p.Tyr71Phe (NM_001293190.2); c.200A>T, p.Tyr67Phe (NM_001293191.2, NM_001407077.1); c.-105A>T (NM_001350650.2); c.242A>T, p.Tyr81Phe (NM_001407069.1, NM_012222.3); c.209A>T, p.Tyr70Phe (NM_001407073.1, NM_001407083.1, NM_001407085.1); and 4 more; short protein forms Y56F, Y57F, Y81F, Y84F, Y67F, Y70F, Y71F, Y28F.
Identifiers: ClinVar variation 4113550 (VCV004113550.1).
Genomic context (GRCh38, chr1:45,333,510, plus strand): 5'-TACCAGCTTAGCAGGCTCCCTCGGAAGGCTGTGACTTCAGCTACGTCTCTGAATAGATGG[T>A]ATGAGGAGACAGAGGCCTGCAATACCACCTCTTCCGGCTGCCTGGCCAGGCCTGCTGGGG-3'
Protein context (NP_001041639.1, residues 46-66): EVVLQASVSS[Tyr56Phe]HLFRDVAEVT